The following is an entry in ClinVar:

ClinVar aggregate classification (germline): Uncertain significance. Review status: criteria provided, multiple submitters, no conflicts (2 of 4 stars). 3 submissions from 3 submitters: Uncertain significance (3). Last evaluated 2025-01-01.

Conditions:
Inborn genetic diseases. Identifiers: MedGen C0950123, MeSH D030342.
Autosomal dominant sensory ataxia 1. Identifiers: MedGen C1837015, MONDO:0012166, OMIM 608984.
Spastic paraplegia 85, autosomal recessive (SPG85). Identifiers: Orphanet 631082, MedGen C5562053, MONDO:0030512, OMIM 619686.

Allele frequency attached by ClinVar (database versions not stated): TOPMed 0.00015; ESP Exome Variant Server 0.00044; ExAC 0.00005; gnomAD 0.00014.
gnomAD v4.1: 221 of 1,551,448 alleles (0.014%); highest among the groups gnomAD compares: Admixed American, 0.018%; no homozygotes.

Submissions (3):

CeGaT Center for Human Genetics Tuebingen
Classification: Uncertain significance. Last evaluated: 2025-01-01. Review status: criteria provided, single submitter. Criteria: CeGaT Center For Human Genetics Tuebingen Variant Classification Criteria Version 2. Collection method: clinical testing. Allele origin: germline. Affected: yes. Observed: 1 variant allele.
Comment: RNF170: PM2, BP4

Department of Pathology and Laboratory Medicine, Sinai Health System
Classification: Uncertain significance for Autosomal dominant sensory ataxia 1; Spastic paraplegia 85, autosomal recessive. Last evaluated: 2022-04-12. Review status: criteria provided, single submitter. Criteria: ACMG Guidelines, 2015. Collection method: research. Allele origin: germline.

Ambry Genetics
Classification: Uncertain significance for Inborn genetic diseases. Last evaluated: 2021-09-15. Review status: criteria provided, single submitter. Criteria: Ambry Variant Classification Scheme 2023. Collection method: clinical testing. Allele origin: germline.

NM_001160224.2(RNF170):c.419G>A (p.Arg140His)

Gene: RNF170 (ring finger protein 170; minus strand). Cytogenetic location: 8p11.21.
Variant type: single nucleotide variant.
Coding change: c.419G>A on transcript NM_001160224.2; coding-DNA position 419, G replaced by A.
Protein change: p.Arg140His; replaces arginine 140 with histidine.
Molecular consequence: missense variant.
Genome position (GRCh38, 1-based): chr8:42,850,975, C>T on the plus strand (G>A on the coding strand, the complement: RNF170 is on the minus strand). VCF-style: chr8-42850975-C-T. GRCh37 (hg19) VCF-style: chr8-42706118-C-T.
Other names: short protein forms R140H.
Identifiers: ClinVar variation 2285997 (VCV002285997.16), dbSNP rs377197544, ClinGen allele CA4734663.